The following is an entry in ClinVar:

NM_017780.4(CHD7):c.3541A>G (p.Ile1181Val)

Gene: CHD7 (chromodomain helicase DNA binding protein 7; plus strand). Cytogenetic location: 8q12.2.
Variant type: single nucleotide variant.
Coding change: c.3541A>G on transcript NM_017780.4 (MANE Select); coding-DNA position 3541, A replaced by G.
Protein change: p.Ile1181Val; replaces isoleucine 1181 with valine.
Molecular consequence: missense variant. On other transcripts: intron variant (1).
Genome position (GRCh38, 1-based): chr8:60,830,340, A>G. VCF-style: chr8-60830340-A-G. GRCh37 (hg19) VCF-style: chr8-61742899-A-G.
Other names: c.1717-31889A>G (NM_001316690.1); short protein forms I1181V.
Identifiers: ClinVar variation 2620285 (VCV002620285.3), dbSNP rs1563638096, ClinGen allele CA371314902.
Genomic context (GRCh38, chr8:60,830,340, plus strand): 5'-AGCAAATCATGACACTAGTATTTACTTAAGGTCCTTTTTTAGGTGCAAAAACTTCAAGCT[A>G]TTCTAAAGCCAATGATGTTGAGACGTCTCAAAGAGGATGTAGAAAAGAACTTGGCCCCCA-3'
Protein context (NP_060250.2, residues 1171-1191): TEEQVQKLQA[Ile1181Val]LKPMMLRRLK

ClinVar aggregate classification (germline): Uncertain significance (1 of 4 stars; one submission).

Conditions:
Inborn genetic diseases. Identifiers: MedGen C0950123, MeSH D030342.
Hypogonadotropic hypogonadism 5 with or without anosmia (KAL5). Also called: CHD7-Related GnRH Deficiency (Kallmann Syndrome 5); HYPOGONADOTROPIC HYPOGONADISM 5 WITH ANOSMIA; HYPOGONADOTROPHIC HYPOGONADISM 5 WITHOUT ANOSMIA. Identifiers: Orphanet 478, MedGen C3552553, MONDO:0012880, OMIM 612370. Disease mechanism: loss of function.
CHD7-related CHARGE syndrome. Identifiers: MedGen CN380413, MONDO:1010178, OMIM 214800.

Submission:

Ambry Genetics
Classification: Uncertain significance for Inborn genetic diseases. Last evaluated: 2023-08-21. Review status: criteria provided, single submitter. Criteria: Ambry Variant Classification Scheme 2023. Collection method: clinical testing. Allele origin: germline.